The following is an entry in ClinVar:

NM_017514.5(PLXNA3):c.673T>C (p.Tyr225His)

Gene: PLXNA3 (plexin A3; plus strand). Cytogenetic location: Xq28.
Variant type: single nucleotide variant.
Coding change: c.673T>C on transcript NM_017514.5 (MANE Select); coding-DNA position 673, T replaced by C.
Protein change: p.Tyr225His; replaces tyrosine 225 with histidine.
Molecular consequence: missense variant.
Genome position (GRCh38, 1-based): chrX:154,461,177, T>C. VCF-style: chrX-154461177-T-C. GRCh37 (hg19) VCF-style: chrX-153689517-T-C.
Other names: short protein forms Y225H.
Identifiers: ClinVar variation 3215571 (VCV003215571.2), dbSNP rs138953016, ClinGen allele CA10563779.
Genomic context (GRCh38, chrX:154,461,177, plus strand): 5'-GTGTCCTCCCAGATCAAGATCCCCTCAGACACGCTGTCCTTGTACCCTGCCTTTGACATC[T>C]ACTACATCTACGGCTTCGTCAGCGCCTCCTTCGTGTACTTCCTGACGCTGCAGCTGGACA-3'
Protein context (NP_059984.3, residues 215-235): TLSLYPAFDI[Tyr225His]YIYGFVSASF

ClinVar aggregate classification (germline): Uncertain significance. Review status: criteria provided, multiple submitters, no conflicts (2 of 4 stars). 2 submissions from 2 submitters: Uncertain significance (2). Last evaluated 2026-05-28.

Conditions:
PLXNA3-related disorder. Also called: PLXNA3-related condition.

Allele frequency attached by ClinVar (database versions not stated): gnomAD exomes 0.00001; ExAC 0.00002; gnomAD 0.00007; TOPMed 0.00012; ESP Exome Variant Server 0.00019.

Submissions (2):

PreventionGenetics, part of Exact Sciences
Classification: Uncertain significance for PLXNA3-related condition. Last evaluated: 2026-05-28. Review status: criteria provided, single submitter. Criteria: ACMG Guidelines, 2015. Collection method: clinical testing. Allele origin: germline.
Comment: The PLXNA3 c.673T>C variant is predicted to result in the amino acid substitution p.Tyr225His. To our knowledge, this variant has not been reported in the literature. This variant is reported in 0.037% of alleles in individuals of African descent in gnomAD, including one hemizygous individual. At this time, the clinical significance of this variant is uncertain due to the absence of conclusive functional and genetic evidence.

Ambry Genetics
Classification: Uncertain significance. Last evaluated: 2022-05-16. Review status: criteria provided, single submitter. Criteria: Ambry Variant Classification Scheme 2023. Collection method: clinical testing. Allele origin: germline.